The following is an entry in ClinVar:

NM_004380.3(CREBBP):c.3054del (p.Arg1018fs)

Gene: CREBBP (CREB binding lysine acetyltransferase; minus strand). Cytogenetic location: 16p13.3.
Variant type: Deletion.
Coding change: c.3054del on transcript NM_004380.3 (MANE Select); coding-DNA position 3054, one base deleted (G; older notation c.3054delG).
Protein change: p.Arg1018fs; shifts the reading frame from arginine 1018.
Molecular consequence: frameshift variant.
Genome position (GRCh38, 1-based): chr16:3,769,180, C deleted on the plus strand (G on the coding strand, the reverse complement: CREBBP is on the minus strand); the first of 2 consecutive C bases (chr16:3,769,180-3,769,181); deleting either gives the same sequence. VCF-style (leftmost placement, unchanged base first): chr16-3769179-AC-A. GRCh37 (hg19) VCF-style: chr16-3819180-AC-A.
Other names: c.2940del, p.Arg980fs (NM_001079846.1); short protein forms R1018fs, R980fs.
Identifiers: ClinVar variation 3344477 (VCV003344477.1).

ClinVar aggregate classification (germline): Likely pathogenic (0 of 4 stars; one submission).

Conditions:
CREBBP-related disorder. Also called: CREBBP-related condition; CREBBP-related disorders.

Submission:

PreventionGenetics, part of Exact Sciences
Classification: Likely pathogenic for CREBBP-related condition. Last evaluated: 2024-09-17. Review status: no assertion criteria provided. Collection method: clinical testing. Allele origin: germline.
Comment: The CREBBP c.3054delG variant is predicted to result in a frameshift and premature protein termination (p.Arg1018Serfs*4). To our knowledge, this variant has not been reported in the literature or in a large population database, indicating this variant is rare. Frameshift variants in CREBBP are expected to be pathogenic. This variant is interpreted as likely pathogenic.